The following is an entry in ClinVar:

ClinVar aggregate classification (germline): Uncertain significance (1 of 4 stars; one submission).

Submission:

Dasa
Classification: Uncertain significance. Last evaluated: 2025-07-26. Review status: criteria provided, single submitter. Criteria: DASA Assertion Criteria. Collection method: clinical testing. Allele origin: germline.
Comment: NM_001267550.2(TTN):c.75578G>T (p.Arg25193Ile) is a missense variant that results in the substitution of arginine with isoleucine. This variant is absent from population databases. Computational prediction algorithms are consistent with a benign effect. The currently available literature and clinical evidence are not sufficient to establish a definitive association between this variant and the reported condition. Therefore, this variant is classified as a variant of uncertain significance.

NM_001267550.2(TTN):c.75578G>T (p.Arg25193Ile)

Genes: TTN (titin; minus strand), TTN-AS1 (TTN antisense RNA 1; plus strand). Cytogenetic location: 2q31.2.
Variant type: single nucleotide variant.
Coding change: c.75578G>T on transcript NM_001267550.2 (MANE Select); coding-DNA position 75578, G replaced by T.
Protein change: p.Arg25193Ile; replaces arginine 25193 with isoleucine.
Molecular consequence: missense variant.
Genome position (GRCh38, 1-based): chr2:178,570,554, C>A on the plus strand (G>T on the coding strand, the complement: TTN is on the minus strand). VCF-style: chr2-178570554-C-A. GRCh37 (hg19) VCF-style: chr2-179435281-C-A.
Other names: c.70655G>T, p.Arg23552Ile (NM_001256850.1); c.48383G>T, p.Arg16128Ile (NM_003319.4); c.67874G>T, p.Arg22625Ile (NM_133378.4); c.48758G>T, p.Arg16253Ile (NM_133432.3); c.48959G>T, p.Arg16320Ile (NM_133437.4); short protein forms R16128I, R16253I, R16320I, R22625I, R23552I, R25193I.
Identifiers: ClinVar variation 4881931 (VCV004881931.2).